The following is an entry in ClinVar:

ClinVar aggregate classification (germline): Likely pathogenic (1 of 4 stars; one submission).

Submission:

Labcorp Genetics (formerly Invitae), Labcorp
Classification: Likely pathogenic. Last evaluated: 2023-10-27. Review status: criteria provided, single submitter. Criteria: Invitae Variant Classification Sherloc (09022015). Collection method: clinical testing. Allele origin: germline.
Comment: This sequence change affects a donor splice site in intron 17 of the CEP152 gene. It is expected to disrupt RNA splicing. Variants that disrupt the donor or acceptor splice site typically lead to a loss of protein function (PMID: 16199547), and loss-of-function variants in CEP152 are known to be pathogenic (PMID: 21131973). This variant is not present in population databases (gnomAD no frequency). This variant has not been reported in the literature in individuals affected with CEP152-related conditions. Algorithms developed to predict the effect of sequence changes on RNA splicing suggest that this variant may disrupt the consensus splice site. In summary, the currently available evidence indicates that the variant is pathogenic, but additional data are needed to prove that conclusively. Therefore, this variant has been classified as Likely Pathogenic.

Literature cited by the submitters: PubMed 16199547; PubMed 21131973.

NM_001194998.2(CEP152):c.2280+1G>A

Gene: CEP152 (centrosomal protein 152; minus strand). Cytogenetic location: 15q21.1.
Variant type: single nucleotide variant.
Coding change: c.2280+1G>A on transcript NM_001194998.2 (MANE Select); the canonical splice donor site of the intron after coding-DNA position 2280, G replaced by A.
Molecular consequence: splice donor variant.
Genome position (GRCh38, 1-based): chr15:48,767,059, C>T on the plus strand (G>A on the coding strand, the complement: CEP152 is on the minus strand). VCF-style: chr15-48767059-C-T. GRCh37 (hg19) VCF-style: chr15-49059256-C-T.
Other names: c.2280+1G>A (NM_014985.4).
Identifiers: ClinVar variation 2771997 (VCV002771997.3), dbSNP rs2504699867, ClinGen allele CA392348121.